The following is an entry in ClinVar:

NM_000051.4(ATM):c.8786+6_8786+9dup

Genes: ATM (ATM serine/threonine kinase; plus strand), C11orf65 (chromosome 11 open reading frame 65; minus strand). Cytogenetic location: 11q22.3.
Variant type: Duplication.
Coding change: c.8786+6_8786+9dup on transcript NM_000051.4 (MANE Select); bases 6 to 9 of the intron after coding-DNA position 8786, 4 bases duplicated (TGAT; older notation c.8786+6_8786+9dupTGAT).
Molecular consequence: intron variant.
Genome position (GRCh38, 1-based): chr11:108,353,886-108,353,889, TGAT duplicated. VCF-style (leftmost placement, unchanged base first): chr11-108353885-G-GTGAT. GRCh37 (hg19) VCF-style: chr11-108224612-G-GTGAT.
Other names: c.8786+6_8786+9dup (NM_001351834.2); c.640+32031_640+32034dup (NM_001330368.2); c.695-18597_695-18594dup (NM_001351110.2).
Identifiers: ClinVar variation 799068 (VCV000799068.14), dbSNP rs1312735736, ClinGen allele CA601699171.

ClinVar aggregate classification (germline): Conflicting classifications of pathogenicity. Review status: criteria provided, conflicting classifications (1 of 4 stars). 4 submissions from 4 submitters: Uncertain significance (1); Likely benign (3). Last evaluated 2025-12-30.

Conditions:
ATM-related cancer predisposition. Also called: ATM-related cancer susceptibility. Identifiers: MedGen CN377759, MONDO:0700270.
Hereditary cancer-predisposing syndrome. Also called: Tumor predisposition; Neoplastic Syndromes, Hereditary; Hereditary Cancer Syndrome; Hereditary neoplastic syndrome. Identifiers: Orphanet 140162, MedGen C0027672, MeSH D009386, MONDO:0015356.
Ataxia-telangiectasia syndrome (AT). Also called: ATAXIA-TELANGIECTASIA, COMPLEMENTATION GROUP A; ATAXIA-TELANGIECTASIA, FRESNO VARIANT; Ataxia-telangiectasia; Ataxia-telangiectasia, complementation group D; AT, COMPLEMENTATION GROUP C; Ataxia-telangiectasia, complementation group E. Identifiers: Orphanet 100, MedGen C0004135, MONDO:0008840, OMIM 208900.
Familial cancer of breast. Also called: Hereditary breast cancer; BREAST CANCER, FAMILIAL; hereditary breast carcinoma. Identifiers: Orphanet 227535, MedGen C0346153, MONDO:0016419, OMIM 114480. Disease mechanism: loss of function.

Allele frequency attached by ClinVar (database versions not stated): gnomAD exomes below 0.00001.

Submissions (4):

Labcorp Genetics (formerly Invitae), Labcorp
Classification: Likely benign for Ataxia-telangiectasia syndrome. Last evaluated: 2025-12-30. Review status: criteria provided, single submitter. Criteria: Invitae Variant Classification Sherloc (09022015). Collection method: clinical testing. Allele origin: germline.

Department of Pathology and Laboratory Medicine, Sinai Health System
Classification: Likely benign for ATM-related cancer predisposition. Last evaluated: 2024-10-22. Review status: criteria provided, single submitter. Criteria: ACMG Guidelines, 2015. Collection method: clinical testing. Allele origin: germline.

Myriad Genetics, Inc.
Classification: Likely benign for Familial cancer of breast. Last evaluated: 2024-06-20. Review status: criteria provided, single submitter. Criteria: Myriad Autosomal Dominant, Autosomal Recessive and X-Linked Classification Criteria (2023). Collection method: clinical testing. Allele origin: unknown.
Comment: This variant is considered likely benign. This variant is intronic and is not expected to impact mRNA splicing.

Color Diagnostics, LLC DBA Color Health
Classification: Uncertain significance for Hereditary cancer-predisposing syndrome. Last evaluated: 2024-05-03. Review status: criteria provided, single submitter. Criteria: ACMG Guidelines, 2015. Collection method: clinical testing. Allele origin: germline.
Comment: This variant causes the duplication of 4 nucleotides at position +6 to +9 in intron 60/62 of the ATM gene. Computational prediction suggests that this variant may not impact protein structure and function. To our knowledge, RNA studies have not been reported for this variant. This variant has not been reported in individuals affected with ATM-related disorders in the literature. This variant has been identified in 1/251454 chromosomes in the general population by the Genome Aggregation Database (gnomAD). The available evidence is insufficient to determine the role of this variant in disease conclusively. Therefore, this variant is classified as a Variant of Uncertain Significance.